The following is an entry in ClinVar:

NM_001165963.4(SCN1A):c.3161T>G (p.Leu1054Arg)

Genes: SCN1A (sodium voltage-gated channel alpha subunit 1; minus strand), LOC102724058 (uncharacterized LOC102724058; plus strand). Cytogenetic location: 2q24.3.
Variant type: single nucleotide variant.
Coding change: c.3161T>G on transcript NM_001165963.4 (MANE Select); coding-DNA position 3161, T replaced by G.
Protein change: p.Leu1054Arg; replaces leucine 1054 with arginine.
Molecular consequence: missense variant. On other transcripts: non-coding transcript variant (2).
Genome position (GRCh38, 1-based): chr2:166,036,316, A>C on the plus strand (T>G on the coding strand, the complement: SCN1A is on the minus strand). VCF-style: chr2-166036316-A-C. GRCh37 (hg19) VCF-style: chr2-166892826-A-C.
Other names: c.3077T>G, p.Leu1026Arg (NM_001165964.3, NM_001353957.2, NM_001353958.2); c.3161T>G, p.Leu1054Arg (NM_001202435.3, NM_001353948.2); c.3128T>G, p.Leu1043Arg (NM_001353949.2, NM_001353950.2, NM_001353951.2 and 2 more transcripts); c.3125T>G, p.Leu1042Arg (NM_001353954.2, NM_001353955.2); c.3074T>G, p.Leu1025Arg (NM_001353960.2); c.719T>G, p.Leu240Arg (NM_001353961.2); short protein forms L1054R, L1025R, L1026R, L1042R, L1043R, L240R.
Identifiers: ClinVar variation 650259 (VCV000650259.13), dbSNP rs985473996, ClinGen allele CA59787306.

ClinVar aggregate classification (germline): Uncertain significance. Review status: criteria provided, multiple submitters, no conflicts (2 of 4 stars). 4 submissions from 4 submitters: Uncertain significance (4). Last evaluated 2025-12-21.

Conditions:
Early-infantile DEE. Also called: Early infantile epileptic encephalopathy with suppression bursts; Early infantile epileptic encephalopathy; Ohtahara syndrome. Identifiers: Orphanet 1934, MedGen C0393706, MONDO:0800491.
Inborn genetic diseases. Identifiers: MedGen C0950123, MeSH D030342.

Allele frequency attached by ClinVar (database versions not stated): gnomAD exomes below 0.00001 and 0.00002; gnomAD 0.00002; TOPMed 0.00004.
gnomAD v4.1: 35 of 1,613,206 alleles (0.0022%); highest among the groups gnomAD compares: Non-Finnish European, 0.0027%; no homozygotes.

Submissions (4):

Labcorp Genetics (formerly Invitae), Labcorp
Classification: Uncertain significance for Early-infantile DEE. Last evaluated: 2025-12-21. Review status: criteria provided, single submitter. Criteria: Invitae Variant Classification Sherloc (09022015). Collection method: clinical testing. Allele origin: germline.
Comment: This sequence change replaces leucine, which is neutral and non-polar, with arginine, which is basic and polar, at codon 1054 of the SCN1A protein (p.Leu1054Arg). This variant is present in population databases (no rsID available, gnomAD 0.0009%). This variant has not been reported in the literature in individuals affected with SCN1A-related conditions. ClinVar contains an entry for this variant (Variation ID: 650259). Invitae Evidence Modeling of protein sequence and biophysical properties (such as structural, functional, and spatial information, amino acid conservation, physicochemical variation, residue mobility, and thermodynamic stability) has been performed for this missense variant. However, the output from this modeling did not meet the statistical confidence thresholds required to predict the impact of this variant on SCN1A protein function. In summary, the available evidence is currently insufficient to determine the role of this variant in disease. Therefore, it has been classified as a Variant of Uncertain Significance.

GeneDx
Classification: Uncertain significance. Last evaluated: 2024-04-02. Review status: criteria provided, single submitter. Criteria: GeneDx Variant Classification Process June 2021. Collection method: clinical testing. Allele origin: germline. Affected: yes.
Comment: In silico analysis supports that this missense variant has a deleterious effect on protein structure/function; Has not been previously published as pathogenic or benign to our knowledge; This substitution is predicted to be in the cytoplasmic loop between the second and third homologous domains

Greenwood Genetic Center Diagnostic Laboratories, Greenwood Genetic Center
Classification: Uncertain significance. Last evaluated: 2020-10-19. Review status: criteria provided, single submitter. Criteria: ACMG Guidelines, 2015. Collection method: clinical testing. Allele origin: germline. Affected: yes.

Ambry Genetics
Classification: Uncertain significance for Inborn genetic diseases. Last evaluated: 2018-04-30. Review status: criteria provided, single submitter. Criteria: Ambry Variant Classification Scheme 2023. Collection method: clinical testing. Allele origin: germline.
Comment: The p.L1054R variant (also known as c.3161T>G), located in coding exon 16 of the SCN1A gene, results from a T to G substitution at nucleotide position 3161. The leucine at codon 1054 is replaced by arginine, an amino acid with dissimilar properties. This amino acid position is highly conserved in available vertebrate species. In addition, this alteration is predicted to be deleterious by in silico analysis. Since supporting evidence is limited at this time, the clinical significance of this alteration remains unclear.